The following is an entry in ClinVar:

NM_000742.4(CHRNA2):c.1138_1145dup (p.Arg382_Pro383insTer)

Gene: CHRNA2 (cholinergic receptor nicotinic alpha 2 subunit; minus strand). Cytogenetic location: 8p21.2.
Variant type: Duplication.
Coding change: c.1138_1145dup on transcript NM_000742.4 (MANE Select); coding-DNA positions 1138 to 1145, 8 bases duplicated (ATGAACCG; older notation c.1138_1145dupATGAACCG).
Protein change: p.Arg382_Pro383insTer.
Molecular consequence: nonsense, inframe insertion.
Genome position (GRCh38, 1-based): chr8:27,463,298-27,463,305, CGGTTCAT duplicated on the plus strand (ATGAACCG on the coding strand, the reverse complement: CHRNA2 is on the minus strand); duplicating any 8 consecutive bases within chr8:27,463,298-27,463,306 gives the same sequence; the c. name uses the placement nearest the transcript's 3' end. VCF-style (leftmost placement, unchanged base first): chr8-27463297-C-CCGGTTCAT. GRCh37 (hg19) VCF-style: chr8-27320814-C-CCGGTTCAT.
Other names: c.1093_1100dup, p.Arg367_Pro368insTer (NM_001282455.2); c.661_668dup, p.Arg223_Pro224insTer (NM_001347705.2, NM_001347706.2); c.544_551dup, p.Arg184_Pro185insTer (NM_001347707.2, NM_001347708.2).
Identifiers: ClinVar variation 2742834 (VCV002742834.3), dbSNP rs2490536007, ClinGen allele CA2697549785.

ClinVar aggregate classification (germline): Uncertain significance (1 of 4 stars; one submission).

Conditions:
Familial sleep-related hypermotor epilepsy. Also called: Autosomal Dominant Sleep-Related Hypermotor (Hyperkinetic) Epilepsy. Identifiers: Orphanet 98784, MedGen C3696898, MONDO:0000030.

Submission:

Labcorp Genetics (formerly Invitae), Labcorp
Classification: Uncertain significance. Last evaluated: 2023-07-13. Review status: criteria provided, single submitter. Criteria: Invitae Variant Classification Sherloc (09022015). Collection method: clinical testing. Allele origin: germline.
Comment: In summary, the available evidence is currently insufficient to determine the role of this variant in disease. Therefore, it has been classified as a Variant of Uncertain Significance. This sequence change creates a premature translational stop signal (p.Pro383*) in the CHRNA2 gene. It is expected to result in an absent or disrupted protein product. However, the current clinical and genetic evidence is not sufficient to establish whether loss-of-function variants in CHRNA2 cause disease. This variant is not present in population databases (gnomAD no frequency). This variant has not been reported in the literature in individuals affected with CHRNA2-related conditions.